The following is an entry in ClinVar:

ClinVar aggregate classification (germline): Uncertain significance. Review status: criteria provided, multiple submitters, no conflicts (2 of 4 stars). 5 submissions from 5 submitters: Uncertain significance (5). Last evaluated 2025-12-17.

Conditions:
Inborn genetic diseases. Identifiers: MedGen C0950123, MeSH D030342.
Osteogenesis imperfecta (OI). Identifiers: Orphanet 666, MedGen C0029434, MeSH D010013, MONDO:0019019.
LRP5-related disorder. Also called: LRP5-related condition.

Allele frequency attached by ClinVar (database versions not stated): gnomAD exomes 0.00008; ExAC 0.00009; gnomAD 0.00013 and 0.00014; ESP Exome Variant Server 0.00015.
gnomAD v4.1: 365 of 1,613,442 alleles (0.023%); highest among the groups gnomAD compares: Non-Finnish European, 0.03%; no homozygotes.

Submissions (5):

Labcorp Genetics (formerly Invitae), Labcorp
Classification: Uncertain significance. Last evaluated: 2025-12-17. Review status: criteria provided, single submitter. Criteria: Invitae Variant Classification Sherloc (09022015). Collection method: clinical testing. Allele origin: germline.
Comment: This sequence change replaces alanine, which is neutral and non-polar, with proline, which is neutral and non-polar, at codon 1265 of the LRP5 protein (p.Ala1265Pro). This variant is present in population databases (rs201530801, gnomAD 0.02%). This missense change has been observed in individual(s) with osteoporosis (PMID: 39316135). ClinVar contains an entry for this variant (Variation ID: 1062495). Invitae Evidence Modeling of protein sequence and biophysical properties (such as structural, functional, and spatial information, amino acid conservation, physicochemical variation, residue mobility, and thermodynamic stability) indicates that this missense variant is not expected to disrupt LRP5 protein function with a negative predictive value of 95%. In summary, the available evidence is currently insufficient to determine the role of this variant in disease. Therefore, it has been classified as a Variant of Uncertain Significance.

PreventionGenetics, part of Exact Sciences
Classification: Uncertain significance for LRP5-related condition. Last evaluated: 2025-01-31. Review status: criteria provided, single submitter. Criteria: ACMG Guidelines, 2015. Collection method: clinical testing. Allele origin: germline.
Comment: The LRP5 c.3793G>C variant is predicted to result in the amino acid substitution p.Ala1265Pro. To our knowledge, this variant has not been reported in the literature. This variant is present in 0.018% of alleles in individuals of European (Non-Finnish) descent in gnomAD. At this time, the clinical significance of this variant is uncertain due to the absence of conclusive functional and genetic evidence.

Ambry Genetics
Classification: Uncertain significance for Inborn genetic diseases. Last evaluated: 2024-12-03. Review status: criteria provided, single submitter. Criteria: Ambry Variant Classification Scheme 2023. Collection method: clinical testing. Allele origin: germline.

Blueprint Genetics
Classification: Uncertain significance. Last evaluated: 2024-11-15. Review status: criteria provided, single submitter. Criteria: ACMG Guidelines, 2015. Collection method: clinical testing. Allele origin: germline.

Genome Diagnostics Laboratory, The Hospital for Sick Children
Classification: Uncertain significance for Osteogenesis imperfecta. Last evaluated: 2019-10-01. Review status: criteria provided, single submitter. Criteria: ACMG Guidelines, 2015. Collection method: clinical testing. Allele origin: germline.

Literature cited by the submitters: PubMed 39316135 (cited by Labcorp Genetics (formerly Invitae), Labcorp).

NM_002335.4(LRP5):c.3793G>C (p.Ala1265Pro)

Gene: LRP5 (LDL receptor related protein 5; plus strand). Cytogenetic location: 11q13.2.
Variant type: single nucleotide variant.
Coding change: c.3793G>C on transcript NM_002335.4 (MANE Select); coding-DNA position 3793, G replaced by C.
Protein change: p.Ala1265Pro; replaces alanine 1265 with proline.
Molecular consequence: missense variant.
Genome position (GRCh38, 1-based): chr11:68,433,631, G>C. VCF-style: chr11-68433631-G-C. GRCh37 (hg19) VCF-style: chr11-68201099-G-C.
Other names: c.3793G>C (NM_002335.2); c.2050G>C, p.Ala684Pro (NM_001291902.2); short protein forms A1265P, A684P.
Identifiers: ClinVar variation 1062495 (VCV001062495.14), dbSNP rs201530801, ClinGen allele CA6150119.
Genomic context (GRCh38, chr11:68,433,631, plus strand): 5'-CGTGTGATGTTCTCCTCTGTCCCTCCCCCAGAGCCGCCCACCTGCTCCCCGGACCAGTTT[G>C]CATGTGCCACAGGGGAGATCGACTGTATCCCCGGGGCCTGGCGCTGTGACGGCTTTCCCG-3'
Protein context (NP_002326.2, residues 1255-1275): EPPTCSPDQF[Ala1265Pro]CATGEIDCIP